The following is an entry in ClinVar:

NM_017617.5(NOTCH1):c.896G>A (p.Cys299Tyr)

Gene: NOTCH1 (notch receptor 1; minus strand). Cytogenetic location: 9q34.3.
Variant type: single nucleotide variant.
Coding change: c.896G>A on transcript NM_017617.5 (MANE Select); coding-DNA position 896, G replaced by A.
Protein change: p.Cys299Tyr; replaces cysteine 299 with tyrosine.
Molecular consequence: missense variant.
Genome position (GRCh38, 1-based): chr9:136,518,794, C>T on the plus strand (G>A on the coding strand, the complement: NOTCH1 is on the minus strand). VCF-style: chr9-136518794-C-T. GRCh37 (hg19) VCF-style: chr9-139413246-C-T.
Other names: short protein forms C299Y.
Identifiers: ClinVar variation 1700460 (VCV001700460.2), dbSNP rs1414889345, ClinGen allele CA375565883.

ClinVar aggregate classification (germline): Uncertain significance (1 of 4 stars; one submission).

Submission:

GeneDx
Classification: Uncertain significance. Last evaluated: 2022-02-05. Review status: criteria provided, single submitter. Criteria: GeneDx Variant Classification Process June 2021. Collection method: clinical testing. Allele origin: germline. Affected: yes.
Comment: Not observed at significant frequency in large population cohorts (gnomAD); In silico analysis supports that this missense variant has a deleterious effect on protein structure/function; Has not been previously published as pathogenic or benign to our knowledge